The following is an entry in ClinVar:

ClinVar aggregate classification (germline): Uncertain significance. Review status: criteria provided, multiple submitters, no conflicts (2 of 4 stars). 2 submissions from 2 submitters: Uncertain significance (2). Last evaluated 2023-09-08.

Conditions:
Hereditary cancer-predisposing syndrome. Also called: Neoplastic Syndromes, Hereditary; Tumor predisposition; Hereditary Cancer Syndrome; Hereditary neoplastic syndrome. Identifiers: Orphanet 140162, MedGen C0027672, MeSH D009386, MONDO:0015356.

Submissions (2):

Labcorp Genetics (formerly Invitae), Labcorp
Classification: Uncertain significance. Last evaluated: 2023-09-08. Review status: criteria provided, single submitter. Criteria: Invitae Variant Classification Sherloc (09022015). Collection method: clinical testing. Allele origin: germline.
Comment: ClinVar contains an entry for this variant (Variation ID: 1753321). This sequence change replaces arginine, which is basic and polar, with serine, which is neutral and polar, at codon 21 of the CTNNA1 protein (p.Arg21Ser). This variant is not present in population databases (gnomAD no frequency). This variant has not been reported in the literature in individuals affected with CTNNA1-related conditions. Advanced modeling of protein sequence and biophysical properties (such as structural, functional, and spatial information, amino acid conservation, physicochemical variation, residue mobility, and thermodynamic stability) performed at Invitae indicates that this missense variant is not expected to disrupt CTNNA1 protein function. In summary, the available evidence is currently insufficient to determine the role of this variant in disease. Therefore, it has been classified as a Variant of Uncertain Significance.

Ambry Genetics
Classification: Uncertain significance for Hereditary cancer-predisposing syndrome. Last evaluated: 2020-01-03. Review status: criteria provided, single submitter. Criteria: Ambry Variant Classification Scheme 2023. Collection method: clinical testing. Allele origin: germline.
Comment: The p.R21S variant (also known as c.63G>C), located in coding exon 1 of the CTNNA1 gene, results from a G to C substitution at nucleotide position 63. The arginine at codon 21 is replaced by serine, an amino acid with dissimilar properties. This amino acid position is highly conserved in available vertebrate species. In addition, the in silico prediction for this alteration is inconclusive. Since supporting evidence is limited at this time, the clinical significance of this alteration remains unclear.

NM_001903.5(CTNNA1):c.63G>C (p.Arg21Ser)

Gene: CTNNA1 (catenin alpha 1; plus strand). Cytogenetic location: 5q31.2.
Variant type: single nucleotide variant.
Coding change: c.63G>C on transcript NM_001903.5 (MANE Select); coding-DNA position 63, G replaced by C.
Protein change: p.Arg21Ser; replaces arginine 21 with serine.
Molecular consequence: missense variant. On other transcripts: 5 prime UTR variant (2).
Genome position (GRCh38, 1-based): chr5:138,781,987, G>C. VCF-style: chr5-138781987-G-C. GRCh37 (hg19) VCF-style: chr5-138117676-G-C.
Other names: c.63G>C, p.Arg21Ser (NM_001290307.3, NM_001323982.2, NM_001323983.1 and 3 more transcripts); c.-51G>C (NM_001290309.3); c.-144G>C (NM_001290310.3); short protein forms R21S.
Identifiers: ClinVar variation 1753321 (VCV001753321.5), dbSNP rs1436293141, ClinGen allele CA361477158.